The following is an entry in ClinVar:

ClinVar aggregate classification (germline): Uncertain significance (1 of 4 stars; one submission).

Conditions:
Cardiovascular phenotype. Identifiers: MedGen CN230736.

Allele frequency attached by ClinVar (database versions not stated): gnomAD exomes below 0.00001.

Submission:

Ambry Genetics
Classification: Uncertain significance for Cardiovascular phenotype. Last evaluated: 2023-03-19. Review status: criteria provided, single submitter. Criteria: Ambry Variant Classification Scheme 2023. Collection method: clinical testing. Allele origin: germline.
Comment: The p.S192N variant (also known as c.575G>A), located in coding exon 4 of the SCN2B gene, results from a G to A substitution at nucleotide position 575. The serine at codon 192 is replaced by asparagine, an amino acid with highly similar properties. This amino acid position is conserved. In addition, this alteration is predicted to be tolerated by in silico analysis. Since supporting evidence is limited at this time, the clinical significance of this alteration remains unclear.

NM_004588.5(SCN2B):c.575G>A (p.Ser192Asn)

Gene: SCN2B (sodium voltage-gated channel beta subunit 2; minus strand). Cytogenetic location: 11q23.3.
Variant type: single nucleotide variant.
Coding change: c.575G>A on transcript NM_004588.5 (MANE Select); coding-DNA position 575, G replaced by A.
Protein change: p.Ser192Asn; replaces serine 192 with asparagine.
Molecular consequence: missense variant.
Genome position (GRCh38, 1-based): chr11:118,166,960, C>T on the plus strand (G>A on the coding strand, the complement: SCN2B is on the minus strand). VCF-style: chr11-118166960-C-T. GRCh37 (hg19) VCF-style: chr11-118037675-C-T.
Other names: short protein forms S192N.
Identifiers: ClinVar variation 2562614 (VCV002562614.2), dbSNP rs2497598814, ClinGen allele CA382783517.
Genomic context (GRCh38, chr11:118,166,960, plus strand): 5'-TCATCCGGGTTGCCTTCACCGTCCGTCTTGCCCTCCTCCTCGGTCTTCAGGTCATCTGTG[C>T]TCAGCTTCTGCTCTTTTTTTCTCCTCACACACTTGACCACCATCAGCACCAAGATGACCA-3'
Protein context (NP_004579.1, residues 182-202): CVRRKKEQKL[Ser192Asn]TDDLKTEEEG